The following is an entry in ClinVar:

NM_000391.4(TPP1):c.1168G>C (p.Gly390Arg)

Gene: TPP1 (tripeptidyl peptidase 1; minus strand). Cytogenetic location: 11p15.4.
Variant type: single nucleotide variant.
Coding change: c.1168G>C on transcript NM_000391.4 (MANE Select); coding-DNA position 1168, G replaced by C.
Protein change: p.Gly390Arg; replaces glycine 390 with arginine.
Molecular consequence: missense variant.
Genome position (GRCh38, 1-based): chr11:6,615,540, C>G on the plus strand (G>C on the coding strand, the complement: TPP1 is on the minus strand). VCF-style: chr11-6615540-C-G. GRCh37 (hg19) VCF-style: chr11-6636771-C-G.
Other names: short protein forms G390R.
Identifiers: ClinVar variation 1705669 (VCV001705669.1), dbSNP rs2493797030, ClinGen allele CA379473128.

ClinVar aggregate classification (germline): Uncertain significance (1 of 4 stars; one submission).

Conditions:
Neuronal ceroid lipofuscinosis 2. Also called: JANSKY-BIELSCHOWSKY DISEASE NEURONAL CEROID LIPOFUSCINOSIS, LATE INFANTILE; TPP1-Related Neuronal Ceroid-Lipofuscinosis. Identifiers: Orphanet 168491, Orphanet 228349, Orphanet 79264, MedGen C1876161, MONDO:0008769, OMIM 204500.

Submission:

3billion
Classification: Uncertain significance for Neuronal ceroid lipofuscinosis 2. Last evaluated: 2022-09-01. Review status: criteria provided, single submitter. Criteria: ACMG Guidelines, 2015. Collection method: clinical testing. Allele origin: germline. Affected: yes. Observed: 1 homozygote.
Comment: The variant is not observed in the gnomAD v2.1.1 dataset. In silico tool predictions suggest damaging effect of the variant on gene or gene product (REVEL: 0.97; 3Cnet: 0.92). Therefore, this variant is classified as uncertain significance according to the recommendation of ACMG/AMP guideline.